The following is an entry in ClinVar:

NM_000059.4(BRCA2):c.8331+2852T>C

Gene: BRCA2 (BRCA2 DNA repair associated; plus strand). Cytogenetic location: 13q13.1.
Variant type: single nucleotide variant.
Coding change: c.8331+2852T>C on transcript NM_000059.4 (MANE Select); 2852 bases into the intron after coding-DNA position 8331, T replaced by C.
Molecular consequence: intron variant.
Genome position (GRCh38, 1-based): chr13:32,366,385, T>C. VCF-style: chr13-32366385-T-C. GRCh37 (hg19) VCF-style: chr13-32940522-T-C.
Identifiers: ClinVar variation 264934 (VCV000264934.1), dbSNP rs11571731, ClinGen allele CA10588134.

ClinVar aggregate classification (germline): Benign (3 of 4 stars; one submission).

Conditions:
Breast-ovarian cancer, familial, susceptibility to, 2 (BROVCA2). Also called: BRCA2 Hereditary Breast and Ovarian Cancer. Identifiers: Orphanet 145, MedGen C2675520, MONDO:0012933, OMIM 612555. Disease mechanism: loss of function.

Allele frequency attached by ClinVar (database versions not stated): gnomAD 0.00538 and 0.00575; TOPMed 0.00614; 1000 Genomes Project 30x 0.00718; 1000 Genomes Project 0.00739.
gnomAD v4.1: 806 of 152,326 alleles (0.53%); highest among the groups gnomAD compares: African/African-American, 1.9%; 5 homozygotes.

Submission:

Evidence-based Network for the Interpretation of Germline Mutant Alleles (ENIGMA)
Classification: Benign for Breast-ovarian cancer, familial, susceptibility to, 2. Last evaluated: 2016-09-28. Review status: reviewed by expert panel. Criteria: ENIGMA BRCA1/2 Classification Criteria (2015). Collection method: curation. Allele origin: germline.
Comment: Class 1 not pathogenic based on frequency >1% in an outbred sampleset. Frequency 0.0272 (African), derived from 1000 genomes (2013-05-02).